The following is an entry in ClinVar:

NM_021625.5(TRPV4):c.661G>A (p.Gly221Ser)

Gene: TRPV4 (transient receptor potential cation channel subfamily V member 4; minus strand). Cytogenetic location: 12q24.11.
Variant type: single nucleotide variant.
Coding change: c.661G>A on transcript NM_021625.5 (MANE Select); coding-DNA position 661, G replaced by A.
Protein change: p.Gly221Ser; replaces glycine 221 with serine.
Molecular consequence: missense variant.
Genome position (GRCh38, 1-based): chr12:109,803,042, C>T on the plus strand (G>A on the coding strand, the complement: TRPV4 is on the minus strand). VCF-style: chr12-109803042-C-T. GRCh37 (hg19) VCF-style: chr12-110240847-C-T.
Other names: c.661G>A, p.Gly221Ser (NM_001177428.2, NM_001177433.2, NM_147204.3); c.559G>A, p.Gly187Ser (NM_001177431.2); short protein forms G187S, G221S.
Identifiers: ClinVar variation 643755 (VCV000643755.10), dbSNP rs373539744, ClinGen allele CA6780479.
Genomic context (GRCh38, chr12:109,803,042, plus strand): 5'-GGGCCCCACCTCGATAGTAGATGTCACGGAAGGGCGAGTTAATGAACTCCCTCATGTTGC[C>T]GGTGCGCTCCGCGATGTCCAGCAGCACAGGGATGGTGTCGTTGCGGCCATTGCTCAGGTT-3'
Protein context (NP_067638.3, residues 211-231): PVLLDIAERT[Gly221Ser]NMREFINSPF

ClinVar aggregate classification (germline): Conflicting classifications of pathogenicity. Review status: criteria provided, conflicting classifications (1 of 4 stars). 4 submissions from 4 submitters: Uncertain significance (1); Likely benign (3). Last evaluated 2026-09-09.

Conditions:
TRPV4-related disorder. Also called: TRPV4-related disorders; TRPV4-related condition.
Inborn genetic diseases. Identifiers: MedGen C0950123, MeSH D030342.
Charcot-Marie-Tooth disease axonal type 2C (HMSN2C). Also called: CHARCOT-MARIE-TOOTH DISEASE, AXONAL, AUTOSOMAL DOMINANT, TYPE 2C; Charcot-Marie-Tooth Neuropathy Type 2C; Charcot-Marie-Tooth Disease Type 2, TRPV4-Related (CMT2C). Identifiers: Orphanet 99937, MedGen C1853710, MONDO:0011633, OMIM 606071.

Allele frequency attached by ClinVar (database versions not stated): gnomAD exomes 0.00001 and 0.00004; ExAC 0.00004; ESP Exome Variant Server 0.00015; gnomAD 0.00015 and 0.00016; TOPMed 0.00015.
gnomAD v4.1: 39 of 1,614,034 alleles (0.0024%); highest among the groups gnomAD compares: African/African-American, 0.037%; 1 homozygote.

Submissions (4):

PreventionGenetics, part of Exact Sciences
Classification: Likely benign for TRPV4-related condition. Last evaluated: 2026-09-09. Review status: criteria provided, single submitter. Criteria: ACMG Guidelines, 2015. Collection method: clinical testing. Allele origin: germline.
Comment: This variant is classified as likely benign based on ACMG/AMP sequence variant interpretation guidelines (Richards et al. 2015 PMID: 25741868, with internal and published modifications).

Labcorp Genetics (formerly Invitae), Labcorp
Classification: Uncertain significance for Charcot-Marie-Tooth disease axonal type 2C. Last evaluated: 2025-12-02. Review status: criteria provided, single submitter. Criteria: Invitae Variant Classification Sherloc (09022015). Collection method: clinical testing. Allele origin: germline.
Comment: This sequence change replaces glycine, which is neutral and non-polar, with serine, which is neutral and polar, at codon 221 of the TRPV4 protein (p.Gly221Ser). This variant is present in population databases (rs373539744, gnomAD 0.05%), and has an allele count higher than expected for a pathogenic variant. This variant has not been reported in the literature in individuals affected with TRPV4-related conditions. ClinVar contains an entry for this variant (Variation ID: 643755). Invitae Evidence Modeling of protein sequence and biophysical properties (such as structural, functional, and spatial information, amino acid conservation, physicochemical variation, residue mobility, and thermodynamic stability) has been performed for this missense variant. However, the output from this modeling did not meet the statistical confidence thresholds required to predict the impact of this variant on TRPV4 protein function. In summary, the available evidence is currently insufficient to determine the role of this variant in disease. Therefore, it has been classified as a Variant of Uncertain Significance.

Ambry Genetics
Classification: Likely benign for Inborn genetic diseases. Last evaluated: 2025-02-10. Review status: criteria provided, single submitter. Criteria: Ambry Variant Classification Scheme 2023. Collection method: clinical testing. Allele origin: germline.

Athena Diagnostics
Classification: Likely benign. Last evaluated: 2020-10-19. Review status: criteria provided, single submitter. Criteria: Athena Diagnostics criteria. Collection method: clinical testing. Allele origin: unknown.